The following is an entry in ClinVar:

NM_018486.3(HDAC8):c.262G>A (p.Asp88Asn)

Gene: HDAC8 (histone deacetylase 8; minus strand). Cytogenetic location: Xq13.1.
Variant type: single nucleotide variant.
Coding change: c.262G>A on transcript NM_018486.3 (MANE Select); coding-DNA position 262, G replaced by A.
Protein change: p.Asp88Asn; replaces aspartic acid 88 with asparagine.
Molecular consequence: missense variant. On other transcripts: non-coding transcript variant (1), intron variant (2).
Genome position (GRCh38, 1-based): chrX:72,568,787, C>T on the plus strand (G>A on the coding strand, the complement: HDAC8 is on the minus strand). VCF-style: chrX-72568787-C-T. GRCh37 (hg19) VCF-style: chrX-71788637-C-T.
Other names: c.262G>A, p.Asp88Asn (NM_001166419.2, NM_001166420.2, NM_001166422.2); c.164+3270G>A (NM_001166418.2, NM_001166448.2); short protein forms D88N.
Identifiers: ClinVar variation 1306097 (VCV001306097.5), dbSNP rs2147595448, ClinGen allele CA413575212.

ClinVar aggregate classification (germline): Uncertain significance. Review status: criteria provided, multiple submitters, no conflicts (2 of 4 stars). 2 submissions from 2 submitters: Uncertain significance (2). Last evaluated 2024-08-06.

Conditions:
Cornelia de Lange syndrome 5 (CDLS5). Also called: HDAC8-Related Cornelia de Lange Syndrome. Identifiers: Orphanet 199, MedGen C3550903, MONDO:0010471, OMIM 300882.

Submissions (2):

Labcorp Genetics (formerly Invitae), Labcorp
Classification: Uncertain significance for Cornelia de Lange syndrome 5. Last evaluated: 2024-08-06. Review status: criteria provided, single submitter. Criteria: Invitae Variant Classification Sherloc (09022015). Collection method: clinical testing. Allele origin: germline.
Comment: This sequence change replaces aspartic acid, which is acidic and polar, with asparagine, which is neutral and polar, at codon 88 of the HDAC8 protein (p.Asp88Asn). This variant is not present in population databases (gnomAD no frequency). This variant has not been reported in the literature in individuals affected with HDAC8-related conditions. ClinVar contains an entry for this variant (Variation ID: 1306097). Advanced modeling of protein sequence and biophysical properties (such as structural, functional, and spatial information, amino acid conservation, physicochemical variation, residue mobility, and thermodynamic stability) performed at Invitae indicates that this missense variant is not expected to disrupt HDAC8 protein function with a negative predictive value of 95%. In summary, the available evidence is currently insufficient to determine the role of this variant in disease. Therefore, it has been classified as a Variant of Uncertain Significance.

GeneDx
Classification: Uncertain significance. Last evaluated: 2023-11-27. Review status: criteria provided, single submitter. Criteria: GeneDx Variant Classification Process June 2021. Collection method: clinical testing. Allele origin: germline. Affected: yes.
Comment: Not observed at significant frequency in large population cohorts (gnomAD); In silico analysis, which includes protein predictors and evolutionary conservation, supports that this variant does not alter protein structure/function; Has not been previously published as pathogenic or benign to our knowledge